The following is an entry in ClinVar:

NM_003072.5(SMARCA4):c.1561C>T (p.Arg521Trp)

Gene: SMARCA4 (SWI/SNF related BAF chromatin remodeling complex subunit ATPase 4; plus strand). Cytogenetic location: 19p13.2.
Variant type: single nucleotide variant.
Coding change: c.1561C>T on transcript NM_003072.5 (MANE Select); coding-DNA position 1561, C replaced by T.
Protein change: p.Arg521Trp; replaces arginine 521 with tryptophan.
Molecular consequence: missense variant. On other transcripts: non-coding transcript variant (1).
Genome position (GRCh38, 1-based): chr19:10,994,969, C>T. VCF-style: chr19-10994969-C-T. GRCh37 (hg19) VCF-style: chr19-11105645-C-T.
Other names: c.1561C>T, p.Arg521Trp (NM_001128844.3, NM_001128845.2, NM_001128846.2 and 5 more transcripts); c.1561C>T (NM_001128849.1); short protein forms R521W.
Identifiers: ClinVar variation 1386497 (VCV001386497.9), dbSNP rs2145942104, ClinGen allele CA404062270.
Genomic context (GRCh38, chr19:10,994,969, plus strand): 5'-ACCAAGGCAGTGGCCACGTACCATGCCAACACGGAGCGGGAGCAGAAGAAAGAGAACGAG[C>T]GGATCGAGAAGGAGCGCATGCGGAGGCTCATGGTATGGTCCTGCCTTCTTGACGTGCGCT-3'
Protein context (NP_003063.2, residues 511-531): TEREQKKENE[Arg521Trp]IEKERMRRLM

ClinVar aggregate classification (germline): Conflicting classifications of pathogenicity. Review status: criteria provided, conflicting classifications (1 of 4 stars). 3 submissions from 3 submitters: Pathogenic (1); Uncertain significance (2). Last evaluated 2025-08-15.

Conditions:
Rhabdoid tumor predisposition syndrome 2 (RTPS2). Identifiers: Orphanet 231108, Orphanet 69077, MedGen C2750074, MONDO:0013224, OMIM 613325.
SMARCA4-related disorder. Also called: SMARCA4-related condition.

Submissions (3):

GeneDx
Classification: Pathogenic. Last evaluated: 2025-08-15. Review status: criteria provided, single submitter. Criteria: GeneDx Variant Classification Process June 2021. Collection method: clinical testing. Allele origin: germline.
Comment: Not observed at significant frequency in large population cohorts (gnomAD); In silico analysis supports that this missense variant has a deleterious effect on protein structure/function; This variant is associated with the following publications: (PMID: 30286321, 31530938, 24658002)

PreventionGenetics, part of Exact Sciences
Classification: Uncertain significance for SMARCA4-related condition. Last evaluated: 2025-03-28. Review status: criteria provided, single submitter. Criteria: ACMG Guidelines, 2015. Collection method: clinical testing. Allele origin: germline.
Comment: The SMARCA4 c.1561C>T variant is predicted to result in the amino acid substitution p.Arg521Trp. This variant has been reported as de novo in an individual with Coffin-Siris syndrome (Table 1, Sekiguchi et al. 2019. PubMed ID: 31530938). This variant has not been reported in a large population database, indicating this variant is rare. Although we suspect that this variant may be pathogenic, at this time, the clinical significance of this variant is uncertain due to the absence of conclusive functional and genetic evidence.

Labcorp Genetics (formerly Invitae), Labcorp
Classification: Uncertain significance for Rhabdoid tumor predisposition syndrome 2. Last evaluated: 2024-02-24. Review status: criteria provided, single submitter. Criteria: Invitae Variant Classification Sherloc (09022015). Collection method: clinical testing. Allele origin: germline.
Comment: This sequence change replaces arginine, which is basic and polar, with tryptophan, which is neutral and slightly polar, at codon 521 of the SMARCA4 protein (p.Arg521Trp). This variant is not present in population databases (gnomAD no frequency). This missense change has been observed in individual(s) with clinical features of Coffin-Siris syndrome (PMID: 31530938). ClinVar contains an entry for this variant (Variation ID: 1386497). Advanced modeling of protein sequence and biophysical properties (such as structural, functional, and spatial information, amino acid conservation, physicochemical variation, residue mobility, and thermodynamic stability) has been performed at Invitae for this missense variant, however the output from this modeling did not meet the statistical confidence thresholds required to predict the impact of this variant on SMARCA4 protein function. In summary, the available evidence is currently insufficient to determine the role of this variant in disease. Therefore, it has been classified as a Variant of Uncertain Significance.

Literature cited by the submitters: PubMed 31530938 (cited by Labcorp Genetics (formerly Invitae), Labcorp).